The following is an entry in ClinVar:

NM_032242.4(PLXNA1):c.3584C>T (p.Thr1195Ile)

Gene: PLXNA1 (plexin A1; plus strand). Cytogenetic location: 3q21.3.
Variant type: single nucleotide variant.
Coding change: c.3584C>T on transcript NM_032242.4 (MANE Select); coding-DNA position 3584, C replaced by T.
Protein change: p.Thr1195Ile; replaces threonine 1195 with isoleucine.
Molecular consequence: missense variant.
Genome position (GRCh38, 1-based): chr3:127,017,816, C>T. VCF-style: chr3-127017816-C-T. GRCh37 (hg19) VCF-style: chr3-126736659-C-T.
Other names: short protein forms T1195I.
Identifiers: ClinVar variation 2635887 (VCV002635887.5), dbSNP rs141186886, ClinGen allele CA2594080.

ClinVar aggregate classification (germline): Uncertain significance. Review status: criteria provided, multiple submitters, no conflicts (2 of 4 stars). 2 submissions from 2 submitters: Uncertain significance (2). Last evaluated 2026-04-02.

Conditions:
PLXNA1-related disorder. Also called: PLXNA1-related condition.

Allele frequency attached by ClinVar (database versions not stated): ExAC 0.00003; gnomAD 0.00003; TOPMed 0.00003; gnomAD exomes 0.00007; ESP Exome Variant Server 0.00015.
gnomAD v4.1: 104 of 1,613,026 alleles (0.0064%); highest among the groups gnomAD compares: Non-Finnish European, 0.0085%; no homozygotes.

Submissions (2):

PreventionGenetics, part of Exact Sciences
Classification: Uncertain significance for PLXNA1-related condition. Last evaluated: 2026-04-02. Review status: criteria provided, single submitter. Criteria: ACMG Guidelines, 2015. Collection method: clinical testing. Allele origin: germline.
Comment: The PLXNA1 c.3584C>T variant is predicted to result in the amino acid substitution p.Thr1195Ile. To our knowledge, this variant has not been reported in the literature. This variant is reported in 0.0081% of alleles in individuals of African descent in gnomAD. At this time, the clinical significance of this variant is uncertain due to the absence of conclusive functional and genetic evidence.

Ambry Genetics
Classification: Uncertain significance. Last evaluated: 2024-11-24. Review status: criteria provided, single submitter. Criteria: Ambry Variant Classification Scheme 2023. Collection method: clinical testing. Allele origin: germline.